The following is an entry in ClinVar:

NM_001458.5(FLNC):c.3501C>T (p.Arg1167=)

Gene: FLNC (filamin C; plus strand). Cytogenetic location: 7q32.1.
Variant type: single nucleotide variant.
Coding change: c.3501C>T on transcript NM_001458.5 (MANE Select); coding-DNA position 3501, C replaced by T.
Protein change: p.Arg1167=; no amino-acid change (arginine 1167 retained).
Molecular consequence: synonymous variant.
Genome position (GRCh38, 1-based): chr7:128,844,966, C>T. VCF-style: chr7-128844966-C-T. GRCh37 (hg19) VCF-style: chr7-128485020-C-T.
Other names: c.3501C>T, p.Arg1167= (NM_001127487.2).
Identifiers: ClinVar variation 771980 (VCV000771980.15), dbSNP rs544320561, ClinGen allele CA4475058.

ClinVar aggregate classification (germline): Likely benign. Review status: criteria provided, multiple submitters, no conflicts (2 of 4 stars). 4 submissions from 4 submitters: Likely benign (4). Last evaluated 2026-02-01.

Conditions:
FLNC-related disorder. Also called: FLNC-related condition; FLNC-related disorders.
Hypertrophic cardiomyopathy 26. Also called: Cardiomyopathy, familial hypertrophic, 26. Identifiers: Orphanet 75249, MedGen C4310749, MONDO:0014883, OMIM 617047.
Distal myopathy with posterior leg and anterior hand involvement. Also called: WILLIAMS DISTAL MYOPATHY. Identifiers: Orphanet 63273, MedGen C3279722, MONDO:0013550, OMIM 614065.
Myofibrillar myopathy 5. Also called: Filaminopathy (type); FILAMINOPATHY, AUTOSOMAL DOMINANT. Identifiers: Orphanet 171445, MedGen C1836050, MONDO:0012289, OMIM 609524.
Cardiovascular phenotype. Identifiers: MedGen CN230736.

Allele frequency attached by ClinVar (database versions not stated): gnomAD 0.00001; TOPMed 0.00003; gnomAD exomes 0.00004; ExAC 0.00005; 1000 Genomes Project 30x 0.00016; 1000 Genomes Project 0.00020.
gnomAD v4.1: 59 of 1,613,814 alleles (0.0037%); highest among the groups gnomAD compares: East Asian, 0.011%; no homozygotes.

Submissions (4):

Labcorp Genetics (formerly Invitae), Labcorp
Classification: Likely benign for Distal myopathy with posterior leg and anterior hand involvement; Myofibrillar myopathy 5; Hypertrophic cardiomyopathy 26. Last evaluated: 2026-02-01. Review status: criteria provided, single submitter. Criteria: Invitae Variant Classification Sherloc (09022015). Collection method: clinical testing. Allele origin: germline.

PreventionGenetics, part of Exact Sciences
Classification: Likely benign for FLNC-related condition. Last evaluated: 2025-06-02. Review status: criteria provided, single submitter. Criteria: ACMG Guidelines, 2015. Collection method: clinical testing. Allele origin: germline.
Comment: This variant is classified as likely benign based on ACMG/AMP sequence variant interpretation guidelines (Richards et al. 2015 PMID: 25741868, with internal and published modifications).

Blueprint Genetics
Classification: Likely benign. Last evaluated: 2023-04-18. Review status: criteria provided, single submitter. Criteria: ACMG Guidelines, 2015. Collection method: clinical testing. Allele origin: germline.

Ambry Genetics
Classification: Likely benign for Cardiovascular phenotype. Last evaluated: 2020-03-10. Review status: criteria provided, single submitter. Criteria: Ambry Variant Classification Scheme 2023. Collection method: clinical testing. Allele origin: germline.